The following is an entry in ClinVar:

NM_147127.5(EVC2):c.2047-221A>G

Gene: EVC2 (EvC ciliary complex subunit 2; minus strand). Cytogenetic location: 4p16.2.
Variant type: single nucleotide variant.
Coding change: c.2047-221A>G on transcript NM_147127.5 (MANE Select); 221 bases into the intron before coding-DNA position 2047, A replaced by G.
Molecular consequence: intron variant.
Genome position (GRCh38, 1-based): chr4:5,623,212, T>C on the plus strand (A>G on the coding strand, the complement: EVC2 is on the minus strand). VCF-style: chr4-5623212-T-C. GRCh37 (hg19) VCF-style: chr4-5624939-T-C.
Other names: c.1807-221A>G (NM_001166136.2).
Identifiers: ClinVar variation 671283 (VCV000671283.2), dbSNP rs142248443, ClinGen allele CA91701068.

ClinVar aggregate classification (germline): Likely benign. Review status: criteria provided, multiple submitters, no conflicts (2 of 4 stars). 2 submissions from 2 submitters: Likely benign (2). Last evaluated 2018-06-14.

Allele frequency attached by ClinVar (database versions not stated): 1000 Genomes Project 0.00679; TOPMed 0.01164; 1000 Genomes Project 30x 0.00640; gnomAD 0.00854.
gnomAD v4.1: 1,632 of 152,322 alleles (1.1%); highest among the groups gnomAD compares: Non-Finnish European, 1.6%; 10 homozygotes.

Submissions (2):

GeneDx
Classification: Likely benign. Last evaluated: 2018-06-14. Review status: criteria provided, single submitter. Criteria: GeneDx Variant Classification (06012015). Collection method: clinical testing. Allele origin: germline. Affected: yes.
Comment: This variant is considered likely benign or benign based on one or more of the following criteria: it is a conservative change, it occurs at a poorly conserved position in the protein, it is predicted to be benign by multiple in silico algorithms, and/or has population frequency not consistent with disease.

Breakthrough Genomics
Classification: Likely benign. Review status: criteria provided, single submitter. Criteria: ACMG Guidelines, 2015. Collection method: not provided. Allele origin: germline. Inheritance: Autosomal recessive inheritance. Affected: yes.